The following is an entry in ClinVar:

ClinVar aggregate classification (germline): Uncertain significance (1 of 4 stars; one submission).

Conditions:
Developmental and epileptic encephalopathy, 12 (DEE12). Identifiers: MedGen C3150988, MONDO:0013389, OMIM 613722.

Submission:

Labcorp Genetics (formerly Invitae), Labcorp
Classification: Uncertain significance for Early infantile epileptic encephalopathy 12. Last evaluated: 2019-03-18. Review status: criteria provided, single submitter. Criteria: Invitae Variant Classification Sherloc (09022015). Collection method: clinical testing. Allele origin: germline.
Comment: This variant results in a copy number gain of the genomic region encompassing exons 24-32 of the PLCB1 gene. The 5' boundary is likely confined to intron 23. The 3' end of this event is unknown as it extends beyond the assayed region for this gene and therefore may encompass additional genes. As the precise location of this event is unknown, it may be in tandem or it may be located elsewhere in the genome. This variant has not been reported in the literature in individuals with PLCB1-related conditions. Experimental studies are not available for this variant, and the functional significance of a copy number gain of these exons is currently unknown. In summary, the available evidence is currently insufficient to determine the role of this variant in disease. Therefore, it has been classified as a Variant of Uncertain Significance.

NC_000020.11:g.(?_8757026)_(8881869_?)dup

Gene: PLCB1 (phospholipase C beta 1; plus strand). Cytogenetic location: 20p12.3.
Variant type: Duplication.
Identifiers: ClinVar variation 830901 (VCV000830901.1).